The following is an entry in ClinVar:

ClinVar aggregate classification (germline): Uncertain significance (1 of 4 stars; one submission).

Conditions:
Citrin deficiency. Identifiers: Orphanet 247582, MedGen C1997910, MONDO:0016602.

Allele frequency attached by ClinVar (database versions not stated): ExAC 0.00001; TOPMed 0.00001; gnomAD 0.00002; gnomAD exomes 0.00002.
gnomAD v4.1: 33 of 1,612,894 alleles (0.002%); highest among the groups gnomAD compares: Non-Finnish European, 0.0025%; no homozygotes.

Submission:

Labcorp Genetics (formerly Invitae), Labcorp
Classification: Uncertain significance for Citrin deficiency. Last evaluated: 2025-02-03. Review status: criteria provided, single submitter. Criteria: Invitae Variant Classification Sherloc (09022015). Collection method: clinical testing. Allele origin: germline.
Comment: This sequence change replaces proline, which is neutral and non-polar, with arginine, which is basic and polar, at codon 37 of the SLC25A13 protein (p.Pro37Arg). This variant is present in population databases (rs755544504, gnomAD 0.002%). This variant has not been reported in the literature in individuals affected with SLC25A13-related conditions. ClinVar contains an entry for this variant (Variation ID: 2040954). Invitae Evidence Modeling of protein sequence and biophysical properties (such as structural, functional, and spatial information, amino acid conservation, physicochemical variation, residue mobility, and thermodynamic stability) indicates that this missense variant is not expected to disrupt SLC25A13 protein function with a negative predictive value of 80%. In summary, the available evidence is currently insufficient to determine the role of this variant in disease. Therefore, it has been classified as a Variant of Uncertain Significance.

NM_014251.3(SLC25A13):c.110C>G (p.Pro37Arg)

Gene: SLC25A13 (solute carrier family 25 member 13; minus strand). Cytogenetic location: 7q21.3.
Variant type: single nucleotide variant.
Coding change: c.110C>G on transcript NM_014251.3 (MANE Select); coding-DNA position 110, C replaced by G.
Protein change: p.Pro37Arg; replaces proline 37 with arginine.
Molecular consequence: missense variant. On other transcripts: non-coding transcript variant (1).
Genome position (GRCh38, 1-based): chr7:96,277,298, G>C on the plus strand (C>G on the coding strand, the complement: SLC25A13 is on the minus strand). VCF-style: chr7-96277298-G-C. GRCh37 (hg19) VCF-style: chr7-95906610-G-C.
Other names: c.110C>G, p.Pro37Arg (NM_001160210.2); short protein forms P37R.
Identifiers: ClinVar variation 2040954 (VCV002040954.2), dbSNP rs755544504, ClinGen allele CA4353382.
Genomic context (GRCh38, chr7:96,277,298, plus strand): 5'-GTCTTTGGATTAGGCTGGCTTTCTCCAAAAATGTTCAAGTATCGAGTGACAAAGTCATTG[G>C]GGGACATGAAAAATTCACCGTTTTTCTCAATGCTTGCATACTGTTTAAAAAAAAGAAAAA-3'
Protein context (NP_055066.1, residues 27-47): IEKNGEFFMS[Pro37Arg]NDFVTRYLNI